The following is an entry in ClinVar:

NM_001292063.2(OTOG):c.2970T>G (p.Phe990Leu)

Gene: OTOG (otogelin; plus strand). Cytogenetic location: 11p15.1.
Variant type: single nucleotide variant.
Coding change: c.2970T>G on transcript NM_001292063.2 (MANE Select); coding-DNA position 2970, T replaced by G.
Protein change: p.Phe990Leu; replaces phenylalanine 990 with leucine.
Molecular consequence: missense variant.
Genome position (GRCh38, 1-based): chr11:17,591,552, T>G. VCF-style: chr11-17591552-T-G. GRCh37 (hg19) VCF-style: chr11-17613099-T-G.
Other names: c.3006T>G, p.Phe1002Leu (NM_001277269.2); short protein forms F1002L, F990L.
Identifiers: ClinVar variation 3767604 (VCV003767604.1).
Genomic context (GRCh38, chr11:17,591,552, plus strand): 5'-CGCCTCCACCTGCACTGCCTATGGGGACCGGCATTACCGCACGTTTGATGGGCTCCCGTT[T>G]GACTTCGTGGGGGCATGCAAAGTGCACCTGGTCAAGGTGAGTTCCCGGATGTTTCTGCCC-3'
Protein context (NP_001278992.1, residues 980-1000): RHYRTFDGLP[Phe990Leu]DFVGACKVHL

ClinVar aggregate classification (germline): Uncertain significance (1 of 4 stars; one submission).

Submission:

GeneDx
Classification: Uncertain significance. Last evaluated: 2024-09-06. Review status: criteria provided, single submitter. Criteria: GeneDx Variant Classification Process June 2021. Collection method: clinical testing. Allele origin: germline. Affected: yes.
Comment: Not observed at significant frequency in large population cohorts (gnomAD); In silico analysis supports that this missense variant has a deleterious effect on protein structure/function; Has not been previously published as pathogenic or benign to our knowledge